The following is an entry in ClinVar:

NM_000531.6(OTC):c.794G>T (p.Trp265Leu)

Gene: OTC (ornithine transcarbamylase; plus strand). Cytogenetic location: Xp11.4.
Variant type: single nucleotide variant.
Coding change: c.794G>T on transcript NM_000531.6 (MANE Select); coding-DNA position 794, G replaced by T.
Protein change: p.Trp265Leu; replaces tryptophan 265 with leucine.
Molecular consequence: missense variant.
Genome position (GRCh38, 1-based): chrX:38,408,952, G>T. VCF-style: chrX-38408952-G-T. GRCh37 (hg19) VCF-style: chrX-38268205-G-T.
Other names: short protein forms W265L.
Identifiers: ClinVar variation 97330 (VCV000097330.2), dbSNP rs72558446, ClinGen allele CA224795.

ClinVar aggregate classification (germline): Pathogenic (0 of 4 stars; one submission).

Submission:

GenMed Metabolism Lab
Classification: Pathogenic. Review status: no assertion criteria provided. Collection method: not provided. Allele origin: unknown.
Comment: p.Trp265Leu, Late, pH variant
ClinVar note: Converted during submission from pathogenic to Pathogenic.